The following is an entry in ClinVar:

NM_001082538.3(TCTN1):c.1676C>T (p.Ala559Val)

Gene: TCTN1 (tectonic family member 1; plus strand). Cytogenetic location: 12q24.11.
Variant type: single nucleotide variant.
Coding change: c.1676C>T on transcript NM_001082538.3 (MANE Select); coding-DNA position 1676, C replaced by T.
Protein change: p.Ala559Val; replaces alanine 559 with valine.
Molecular consequence: missense variant. On other transcripts: non-coding transcript variant (1).
Genome position (GRCh38, 1-based): chr12:110,647,789, C>T. VCF-style: chr12-110647789-C-T. GRCh37 (hg19) VCF-style: chr12-111085594-C-T.
Other names: c.1661C>T, p.Ala554Val (NM_001082537.3); c.1493C>T, p.Ala498Val (NM_001173975.3); c.1349C>T, p.Ala450Val (NM_001173976.2); c.1514C>T, p.Ala505Val (NM_001319680.2); c.1127C>T, p.Ala376Val (NM_001319681.2); c.1619C>T, p.Ala540Val (NM_024549.6); short protein forms A559V, A540V, A376V, A450V, A505V, A554V, A498V.
Identifiers: ClinVar variation 307210 (VCV000307210.14), dbSNP rs373723058, ClinGen allele CA6786976.

ClinVar aggregate classification (germline): Uncertain significance. Review status: criteria provided, multiple submitters, no conflicts (2 of 4 stars). 5 submissions from 5 submitters: Uncertain significance (5). Last evaluated 2023-10-02.

Conditions:
Meckel-Gruber syndrome. Also called: GRUBER SYNDROME; DYSENCEPHALIA SPLANCHNOCYSTICA; Dysencephalia splachnocystica. Identifiers: Orphanet 564, MedGen C0265215, MONDO:0018921.
Joubert syndrome. Also called: JOUBERT-BOLTSHAUSER SYNDROME; Familial aplasia of the vermis. Identifiers: Orphanet 475, MedGen C5979921, MONDO:0018772.
Inborn genetic diseases. Identifiers: MedGen C0950123, MeSH D030342.
Joubert syndrome 13 (JBTS13). Identifiers: Orphanet 475, MedGen C3280031, MONDO:0013608, OMIM 614173.

Allele frequency attached by ClinVar (database versions not stated): ExAC 0.00012; gnomAD exomes 0.00012 and 0.00028; ESP Exome Variant Server 0.00016; TOPMed 0.00017; gnomAD 0.00018 and 0.00019.
gnomAD v4.1: 431 of 1,614,032 alleles (0.027%); highest among the groups gnomAD compares: Non-Finnish European, 0.034%; no homozygotes.

Submissions (5):

Blueprint Genetics
Classification: Uncertain significance. Last evaluated: 2023-10-02. Review status: criteria provided, single submitter. Criteria: ACMG Guidelines, 2015. Collection method: clinical testing. Allele origin: germline.

Labcorp Genetics (formerly Invitae), Labcorp
Classification: Uncertain significance for Joubert syndrome; Meckel-Gruber syndrome. Last evaluated: 2022-10-24. Review status: criteria provided, single submitter. Criteria: Invitae Variant Classification Sherloc (09022015). Collection method: clinical testing. Allele origin: germline.
Comment: This sequence change replaces alanine, which is neutral and non-polar, with valine, which is neutral and non-polar, at codon 559 of the TCTN1 protein (p.Ala559Val). This variant is present in population databases (rs373723058, gnomAD 0.02%). This variant has not been reported in the literature in individuals affected with TCTN1-related conditions. ClinVar contains an entry for this variant (Variation ID: 307210). Advanced modeling of protein sequence and biophysical properties (such as structural, functional, and spatial information, amino acid conservation, physicochemical variation, residue mobility, and thermodynamic stability) performed at Invitae indicates that this missense variant is not expected to disrupt TCTN1 protein function. In summary, the available evidence is currently insufficient to determine the role of this variant in disease. Therefore, it has been classified as a Variant of Uncertain Significance.

Department of Pathology and Laboratory Medicine, Sinai Health System
Classification: Uncertain significance for Joubert syndrome 13. Last evaluated: 2022-05-17. Review status: criteria provided, single submitter. Criteria: ACMG Guidelines, 2015. Collection method: research. Allele origin: germline.

Ambry Genetics
Classification: Uncertain significance for Inborn genetic diseases. Last evaluated: 2021-07-14. Review status: criteria provided, single submitter. Criteria: Ambry Variant Classification Scheme 2023. Collection method: clinical testing. Allele origin: germline.

Illumina Laboratory Services, Illumina
Classification: Uncertain significance for Joubert syndrome 13. Last evaluated: 2018-01-13. Review status: criteria provided, single submitter. Criteria: ICSL Variant Classification Criteria 13 December 2019. Collection method: clinical testing. Allele origin: germline.